The following is an entry in ClinVar:

NM_004168.4(SDHA):c.1506T>C (p.Ala502=)

Gene: SDHA (succinate dehydrogenase complex flavoprotein subunit A; plus strand). Cytogenetic location: 5p15.33.
Variant type: single nucleotide variant.
Coding change: c.1506T>C on transcript NM_004168.4 (MANE Select); coding-DNA position 1506, T replaced by C.
Protein change: p.Ala502=; no amino-acid change (alanine 502 retained).
Molecular consequence: synonymous variant.
Genome position (GRCh38, 1-based): chr5:240,431, T>C. VCF-style: chr5-240431-T-C. GRCh37 (hg19) VCF-style: chr5-240546-T-C.
Other names: c.1362T>C, p.Ala454= (NM_001294332.2); c.1506T>C, p.Ala502= (NM_001330758.2).
Identifiers: ClinVar variation 1161326 (VCV001161326.13), dbSNP rs1364448678, ClinGen allele CA442692233.

ClinVar aggregate classification (germline): Benign/Likely benign. Review status: criteria provided, multiple submitters, no conflicts (2 of 4 stars). 4 submissions from 4 submitters: Benign (1); Likely benign (3). Last evaluated 2025-12-22.

Conditions:
Pheochromocytoma/paraganglioma syndrome 5. Also called: SDHA-Related Hereditary Paraganglioma-Pheochromocytoma Syndrome; Paragangliomas 5. Identifiers: Orphanet 29072, MedGen C3279992, MONDO:0013602, OMIM 614165.
Mitochondrial complex II deficiency, nuclear type 1. Also called: SUCCINATE CoQ REDUCTASE DEFICIENCY. Identifiers: Orphanet 3208, MedGen C5700310, MONDO:0100294, OMIM 252011.
Hereditary cancer-predisposing syndrome. Also called: Neoplastic Syndromes, Hereditary; Hereditary Cancer Syndrome; Tumor predisposition; Hereditary neoplastic syndrome. Identifiers: Orphanet 140162, MedGen C0027672, MeSH D009386, MONDO:0015356.

Allele frequency attached by ClinVar (database versions not stated): gnomAD exomes below 0.00001; TOPMed below 0.00001.
gnomAD v4.1: 5 of 1,611,670 alleles (0.00031%); highest among the groups gnomAD compares: Non-Finnish European, 0.00042%; no homozygotes.

Submissions (4):

Labcorp Genetics (formerly Invitae), Labcorp
Classification: Likely benign for Pheochromocytoma/paraganglioma syndrome 5; Mitochondrial complex II deficiency, nuclear type 1. Last evaluated: 2025-12-22. Review status: criteria provided, single submitter. Criteria: Invitae Variant Classification Sherloc (09022015). Collection method: clinical testing. Allele origin: germline.

Myriad Genetics, Inc.
Classification: Benign for Pheochromocytoma/paraganglioma syndrome 5. Last evaluated: 2025-03-10. Review status: criteria provided, single submitter. Criteria: Myriad Autosomal Dominant, Autosomal Recessive and X-Linked Classification Criteria (2023). Collection method: clinical testing. Allele origin: unknown.
Comment: This variant is considered benign. This variant is a silent/synonymous amino acid change and it is not expected to impact splicing.

Blueprint Genetics
Classification: Likely benign. Last evaluated: 2024-04-29. Review status: criteria provided, single submitter. Criteria: ACMG Guidelines, 2015. Collection method: clinical testing. Allele origin: germline.

Ambry Genetics
Classification: Likely benign for Hereditary cancer-predisposing syndrome. Last evaluated: 2022-04-22. Review status: criteria provided, single submitter. Criteria: Ambry Variant Classification Scheme 2023. Collection method: clinical testing. Allele origin: germline.